The following is an entry in ClinVar:

ClinVar aggregate classification (germline): Likely benign (1 of 4 stars; one submission).

Allele frequency attached by ClinVar (database versions not stated): gnomAD 0.00009; TOPMed 0.00013; ExAC 0.00020; ESP Exome Variant Server 0.00023; 1000 Genomes Project 0.00040; 1000 Genomes Project 30x 0.00047.
gnomAD v4.1: 172 of 1,601,576 alleles (0.011%); highest among the groups gnomAD compares: Admixed American, 0.027%; no homozygotes.

Submission:

CeGaT Center for Human Genetics Tuebingen
Classification: Likely benign. Last evaluated: 2022-09-01. Review status: criteria provided, single submitter. Criteria: CeGaT Center For Human Genetics Tuebingen Variant Classification Criteria Version 2. Collection method: clinical testing. Allele origin: germline. Affected: yes. Observed: 1 variant allele.
Comment: SEC31A: BP4, BP7

NM_001077207.4(SEC31A):c.501G>A (p.Pro167=)

Gene: SEC31A (SEC31 homolog A, COPII component; minus strand). Cytogenetic location: 4q21.22.
Variant type: single nucleotide variant.
Coding change: c.501G>A on transcript NM_001077207.4 (MANE Select); coding-DNA position 501, G replaced by A.
Protein change: p.Pro167=; no amino-acid change (proline 167 retained).
Molecular consequence: synonymous variant.
Genome position (GRCh38, 1-based): chr4:82,874,749, C>T on the plus strand (G>A on the coding strand, the complement: SEC31A is on the minus strand). VCF-style: chr4-82874749-C-T. GRCh37 (hg19) VCF-style: chr4-83795902-C-T.
Other names: c.501G>A, p.Pro167= (NM_001400207.1, NM_001400208.1, NM_001400209.1 and 48 more transcripts); c.486G>A, p.Pro162= (NM_001400212.1, NM_001400214.1, NM_001191049.2); c.339G>A, p.Pro113= (NM_001400215.1); c.27G>A, p.Pro9= (NM_001400224.1).
Identifiers: ClinVar variation 2654854 (VCV002654854.24), dbSNP rs140201573, ClinGen allele CA2986894.